The following is an entry in ClinVar:

NM_000460.4(THPO):c.262_265del (p.Val88fs)

Gene: THPO (thrombopoietin; minus strand). Cytogenetic location: 3q27.1.
Variant type: Deletion.
Coding change: c.262_265del on transcript NM_000460.4 (MANE Select); coding-DNA positions 262 to 265, 4 bases deleted (GTGA; older notation c.262_265delGTGA).
Protein change: p.Val88fs; shifts the reading frame from valine 88.
Molecular consequence: frameshift variant.
Genome position (GRCh38, 1-based): chr3:184,373,546-184,373,549, TCAC deleted on the plus strand (GTGA on the coding strand, the reverse complement: THPO is on the minus strand); deleting any 4 consecutive bases within chr3:184,373,546-184,373,550 gives the same sequence; the c. name uses the placement nearest the transcript's 3' end. VCF-style (leftmost placement, unchanged base first): chr3-184373545-GTCAC-G. GRCh37 (hg19) VCF-style: chr3-184091333-GTCAC-G.
Other names: p.Val88Profs*7; c.262_265del, p.Val88fs (NM_001177597.2, NM_001177598.2, NM_001289997.1 and 5 more transcripts); c.682_685del, p.Val228fs (NM_001290003.1); short protein forms V228fs, V88fs.
Identifiers: ClinVar variation 3380982 (VCV003380982.1).

ClinVar aggregate classification (germline): Likely pathogenic (1 of 4 stars; one submission).

Submission:

Mayo Clinic Laboratories, Mayo Clinic
Classification: Likely pathogenic. Last evaluated: 2024-08-19. Review status: criteria provided, single submitter. Criteria: ACMG Guidelines, 2015. Collection method: clinical testing. Allele origin: germline. Observed: 1 variant allele.
Comment: PM2, PVS1